The following is an entry in ClinVar:

ClinVar aggregate classification (germline): Uncertain significance (1 of 4 stars; one submission).

Conditions:
Warts, hypogammaglobulinemia, infections, and myelokathexis. Also called: WHIM syndrome. Identifiers: MedGen C0472817, MONDO:0023880.

Submission:

Labcorp Genetics (formerly Invitae), Labcorp
Classification: Uncertain significance for Warts, hypogammaglobulinemia, infections, and myelokathexis. Last evaluated: 2025-07-24. Review status: criteria provided, single submitter. Criteria: Invitae Variant Classification Sherloc (09022015). Collection method: clinical testing. Allele origin: germline.
Comment: This sequence change replaces serine, which is neutral and polar, with glycine, which is neutral and non-polar, at codon 5 of the CXCR4 protein (p.Ser5Gly). This variant is not present in population databases (gnomAD no frequency). This variant has not been reported in the literature in individuals affected with CXCR4-related conditions. An algorithm developed to predict the effect of missense changes on protein structure and function (PolyPhen-2) suggests that this variant is likely to be tolerated. In summary, the available evidence is currently insufficient to determine the role of this variant in disease. Therefore, it has been classified as a Variant of Uncertain Significance.

NM_003467.3(CXCR4):c.13A>G (p.Ser5Gly)

Gene: CXCR4 (C-X-C motif chemokine receptor 4; minus strand). Cytogenetic location: 2q22.1.
Variant type: single nucleotide variant.
Coding change: c.13A>G on transcript NM_003467.3 (MANE Select); coding-DNA position 13, A replaced by G.
Protein change: p.Ser5Gly; replaces serine 5 with glycine.
Molecular consequence: missense variant.
Genome position (GRCh38, 1-based): chr2:136,118,048, T>C on the plus strand (A>G on the coding strand, the complement: CXCR4 is on the minus strand). VCF-style: chr2-136118048-T-C. GRCh37 (hg19) VCF-style: chr2-136875618-T-C.
Other names: c.13A>G, p.Ser5Gly (NM_001348056.2, NM_001348059.2); short protein forms S5G.
Identifiers: ClinVar variation 4723452 (VCV004723452.1).